The following is an entry in ClinVar:

ClinVar aggregate classification (germline): Uncertain significance. Review status: criteria provided, multiple submitters, no conflicts (2 of 4 stars). 2 submissions from 2 submitters: Uncertain significance (2). Last evaluated 2024-08-11.

Conditions:
Inborn genetic diseases. Identifiers: MedGen C0950123, MeSH D030342.

Allele frequency attached by ClinVar (database versions not stated): ExAC 0.00001; gnomAD 0.00001; TOPMed 0.00001; gnomAD exomes 0.00002; 1000 Genomes Project 30x 0.00016; 1000 Genomes Project 0.00020.
gnomAD v4.1: 31 of 1,614,128 alleles (0.0019%); highest among the groups gnomAD compares: Middle Eastern, 0.049%; no homozygotes.

Submissions (2):

Ambry Genetics
Classification: Uncertain significance for Inborn genetic diseases. Last evaluated: 2024-08-11. Review status: criteria provided, single submitter. Criteria: Ambry Variant Classification Scheme 2023. Collection method: clinical testing. Allele origin: germline.

Labcorp Genetics (formerly Invitae), Labcorp
Classification: Uncertain significance. Last evaluated: 2023-11-27. Review status: criteria provided, single submitter. Criteria: Invitae Variant Classification Sherloc (09022015). Collection method: clinical testing. Allele origin: germline.
Comment: This sequence change replaces isoleucine, which is neutral and non-polar, with valine, which is neutral and non-polar, at codon 581 of the FAM111A protein (p.Ile581Val). This variant is present in population databases (rs111571211, gnomAD 0.007%). This variant has not been reported in the literature in individuals affected with FAM111A-related conditions. ClinVar contains an entry for this variant (Variation ID: 2084645). Advanced modeling of protein sequence and biophysical properties (such as structural, functional, and spatial information, amino acid conservation, physicochemical variation, residue mobility, and thermodynamic stability) performed at Invitae indicates that this missense variant is not expected to disrupt FAM111A protein function with a negative predictive value of 80%. In summary, the available evidence is currently insufficient to determine the role of this variant in disease. Therefore, it has been classified as a Variant of Uncertain Significance.

NM_001312909.2(FAM111A):c.1741A>G (p.Ile581Val)

Gene: FAM111A (FAM111 trypsin like peptidase A; plus strand). Cytogenetic location: 11q12.1.
Variant type: single nucleotide variant.
Coding change: c.1741A>G on transcript NM_001312909.2 (MANE Select); coding-DNA position 1741, A replaced by G.
Protein change: p.Ile581Val; replaces isoleucine 581 with valine.
Molecular consequence: missense variant.
Genome position (GRCh38, 1-based): chr11:59,153,409, A>G. VCF-style: chr11-59153409-A-G. GRCh37 (hg19) VCF-style: chr11-58920882-A-G.
Other names: c.1741A>G, p.Ile581Val (NM_001374854.1, NM_001374855.1, NM_001374864.1 and 29 more transcripts); c.1741A>G (NM_001142520.1); short protein forms I581V.
Identifiers: ClinVar variation 2084645 (VCV002084645.5), dbSNP rs111571211, ClinGen allele CA6016831.
Genomic context (GRCh38, chr11:59,153,409, plus strand): 5'-GCTTATACTTACCAAAATGAGACTCGTAGTATCATTGAGTTTGGCTCTACCATGGAATCC[A>G]TCCTCCTTGATATTAAGCAAAGACATAAACCATGGTATGAAGAAGTATTTGTAAATCAGC-3'
Protein context (NP_001299838.1, residues 571-591): IIEFGSTMES[Ile581Val]LLDIKQRHKP